The following is an entry in ClinVar:

NM_001382430.1(AKT1):c.493A>G (p.Ile165Val)

Gene: AKT1 (AKT serine/threonine kinase 1; minus strand). Cytogenetic location: 14q32.33.
Variant type: single nucleotide variant.
Coding change: c.493A>G on transcript NM_001382430.1 (MANE Select); coding-DNA position 493, A replaced by G.
Protein change: p.Ile165Val; replaces isoleucine 165 with valine.
Molecular consequence: missense variant.
Genome position (GRCh38, 1-based): chr14:104,775,150, T>C on the plus strand (A>G on the coding strand, the complement: AKT1 is on the minus strand). VCF-style: chr14-104775150-T-C. GRCh37 (hg19) VCF-style: chr14-105241487-T-C.
Other names: c.493A>G, p.Ile165Val (NM_001014432.2, NM_001382431.1, NM_001382432.1 and 3 more transcripts); short protein forms I165V.
Identifiers: ClinVar variation 1415823 (VCV001415823.6), dbSNP rs2140917455, ClinGen allele CA391219539.

ClinVar aggregate classification (germline): Uncertain significance (1 of 4 stars; one submission).

Conditions:
Cowden syndrome 6 (CWS6). Identifiers: Orphanet 201, MedGen C3554519, MONDO:0014048, OMIM 615109.

Submission:

Labcorp Genetics (formerly Invitae), Labcorp
Classification: Uncertain significance for Cowden syndrome 6. Last evaluated: 2021-11-19. Review status: criteria provided, single submitter. Criteria: Invitae Variant Classification Sherloc (09022015). Collection method: clinical testing. Allele origin: germline.
Comment: This sequence change replaces isoleucine, which is neutral and non-polar, with valine, which is neutral and non-polar, at codon 165 of the AKT1 protein (p.Ile165Val). In summary, the available evidence is currently insufficient to determine the role of this variant in disease. Therefore, it has been classified as a Variant of Uncertain Significance. Algorithms developed to predict the effect of missense changes on protein structure and function (SIFT, PolyPhen-2, Align-GVGD) all suggest that this variant is likely to be tolerated. This variant has not been reported in the literature in individuals affected with AKT1-related conditions. This variant is not present in population databases (gnomAD no frequency).